The following is an entry in ClinVar:

NC_000013.10:g.(?_29236527)_(29252239_?)dup

Gene: POMP (proteasome maturation protein; plus strand). Cytogenetic location: 13q12.3.
Variant type: Duplication.
Identifiers: ClinVar variation 3244220 (VCV003244220.1).

ClinVar aggregate classification (germline): Uncertain significance (1 of 4 stars; one submission).

Submission:

Labcorp Genetics (formerly Invitae), Labcorp
Classification: Uncertain significance. Last evaluated: 2023-12-18. Review status: criteria provided, single submitter. Criteria: Invitae Variant Classification Sherloc (09022015). Collection method: clinical testing. Allele origin: unknown.
Comment: This variant results in a copy number gain of the genomic region encompassing exon(s) 2-6 of the POMP gene. This region includes the termination codon of the gene. This copy number gain extends beyond the assayed region for this gene and therefore may encompass additional genes. As the precise location of this event is unknown, it may be in tandem or it may be located elsewhere in the genome. This variant has not been reported in the literature in individuals affected with POMP-related conditions. In summary, the available evidence is currently insufficient to determine the role of this variant in disease. Therefore, it has been classified as a Variant of Uncertain Significance.